The following is an entry in ClinVar:

NM_007254.4(PNKP):c.1344C>T (p.Phe448=)

Gene: PNKP (polynucleotide kinase 3'-phosphatase; minus strand). Cytogenetic location: 19q13.33.
Variant type: single nucleotide variant.
Coding change: c.1344C>T on transcript NM_007254.4 (MANE Select); coding-DNA position 1344, C replaced by T.
Protein change: p.Phe448=; no amino-acid change (phenylalanine 448 retained).
Molecular consequence: synonymous variant.
Genome position (GRCh38, 1-based): chr19:49,861,650, G>A on the plus strand (C>T on the coding strand, the complement: PNKP is on the minus strand). VCF-style: chr19-49861650-G-A. GRCh37 (hg19) VCF-style: chr19-50364907-G-A.
Identifiers: ClinVar variation 514108 (VCV000514108.4), dbSNP rs762529581, ClinGen allele CA9586449.
Genomic context (GRCh38, chr19:49,861,650, plus strand): 5'-CGGGCTGAGCGGGCTCACCCGGTTGTTGTGGCGCGCCTGCTCCAGAGTGGCGGTGAAGAG[G>A]AAGCAGCGGCAGGGGACGCCCGCGGCTCGGGCACACTGGACGTACCTGTGGGGGAAGGAG-3'
Protein context (NP_009185.2, residues 438-458): ARAAGVPCRC[Phe448=]LFTATLEQAR

ClinVar aggregate classification (germline): Likely benign. Review status: criteria provided, multiple submitters, no conflicts (2 of 4 stars). 2 submissions from 2 submitters: Likely benign (2). Last evaluated 2023-07-25.

Conditions:
Developmental and epileptic encephalopathy, 12 (DEE12). Identifiers: MedGen C3150988, MONDO:0013389, OMIM 613722.

Allele frequency attached by ClinVar (database versions not stated): gnomAD exomes 0.00002; TOPMed 0.00002; ExAC 0.00007.

Submissions (2):

Labcorp Genetics (formerly Invitae), Labcorp
Classification: Likely benign for Developmental and epileptic encephalopathy, 12. Last evaluated: 2023-07-25. Review status: criteria provided, single submitter. Criteria: Invitae Variant Classification Sherloc (09022015). Collection method: clinical testing. Allele origin: germline.

GeneDx
Classification: Likely benign. Last evaluated: 2017-12-13. Review status: criteria provided, single submitter. Criteria: GeneDx Variant Classification (06012015). Collection method: clinical testing. Allele origin: germline. Affected: yes.
Comment: This variant is considered likely benign or benign based on one or more of the following criteria: it is a conservative change, it occurs at a poorly conserved position in the protein, it is predicted to be benign by multiple in silico algorithms, and/or has population frequency not consistent with disease.